The following is an entry in ClinVar:

NM_000455.5(STK11):c.1174A>G (p.Met392Val)

Gene: STK11 (serine/threonine kinase 11; plus strand). Cytogenetic location: 19p13.3.
Variant type: single nucleotide variant.
Coding change: c.1174A>G on transcript NM_000455.5 (MANE Select); coding-DNA position 1174, A replaced by G.
Protein change: p.Met392Val; replaces methionine 392 with valine.
Molecular consequence: missense variant.
Genome position (GRCh38, 1-based): chr19:1,226,519, A>G. VCF-style: chr19-1226519-A-G. GRCh37 (hg19) VCF-style: chr19-1226518-A-G.
Other names: short protein forms M392V.
Identifiers: ClinVar variation 216427 (VCV000216427.31), dbSNP rs565993396, ClinGen allele CA045732.

ClinVar aggregate classification (germline): Conflicting classifications of pathogenicity. Review status: criteria provided, conflicting classifications (1 of 4 stars). 14 submissions from 14 submitters: Uncertain significance (5); Benign (1); Likely benign (7). 1 of the submissions does not count toward it. Last evaluated 2025-12-06.

Conditions:
Hereditary cancer-predisposing syndrome. Also called: Hereditary Cancer Syndrome; Tumor predisposition; Neoplastic Syndromes, Hereditary; Hereditary neoplastic syndrome. Identifiers: Orphanet 140162, MedGen C0027672, MeSH D009386, MONDO:0015356.
Peutz-Jeghers syndrome (PJS). Also called: POLYPOSIS, HAMARTOMATOUS INTESTINAL; POLYPS-AND-SPOTS SYNDROME; Peutz-Jeghers polyposis; Periorificial lentiginosis syndrome. Identifiers: Orphanet 2869, MedGen C0031269, MeSH D010580, MONDO:0008280, OMIM 175200.

Allele frequency attached by ClinVar (database versions not stated): TOPMed below 0.00001; gnomAD 0.00001 and 0.00005; gnomAD exomes 0.00003 and 0.00005; ExAC 0.00009; 1000 Genomes Project 0.00020; 1000 Genomes Project 30x 0.00047.
gnomAD v4.1: 49 of 1,610,168 alleles (0.003%); highest among the groups gnomAD compares: South Asian, 0.043%; 1 homozygote.

Submissions (14):

Labcorp Genetics (formerly Invitae), Labcorp
Classification: Likely benign for Peutz-Jeghers syndrome. Last evaluated: 2025-12-06. Review status: criteria provided, single submitter. Criteria: Invitae Variant Classification Sherloc (09022015). Collection method: clinical testing. Allele origin: germline.

Quest Diagnostics Nichols Institute San Juan Capistrano
Classification: Likely benign. Last evaluated: 2025-10-30. Review status: criteria provided, single submitter. Criteria: Quest Diagnostics criteria. Collection method: clinical testing. Allele origin: unknown.

Women's Health and Genetics/Laboratory Corporation of America, LabCorp
Classification: Likely benign. Last evaluated: 2025-04-07. Review status: criteria provided, single submitter. Criteria: LabCorp Variant Classification Summary - May 2015. Collection method: clinical testing. Allele origin: germline.

Hereditary Cancer Laboratory, Hospital Universitario 12 de Octubre
Classification: Uncertain significance for Hereditary cancer-predisposing syndrome. Last evaluated: 2025-03-19. Review status: criteria provided, single submitter. Criteria: ACMG Guidelines, 2015. Collection method: clinical testing. Allele origin: germline.
Comment: PM2+BP4

GeneDx
Classification: Uncertain significance. Last evaluated: 2023-10-26. Review status: criteria provided, single submitter. Criteria: GeneDx Variant Classification Process June 2021. Collection method: clinical testing. Allele origin: germline. Affected: yes.
Comment: In silico analysis supports that this missense variant does not alter protein structure/function; Has not been previously published as pathogenic or benign to our knowledge; This variant is associated with the following publications: (PMID: 28900777)

Department of Pathology and Laboratory Medicine, Sinai Health System
Classification: Likely benign for Peutz-Jeghers syndrome. Last evaluated: 2023-07-10. Review status: criteria provided, single submitter. Criteria: ACMG Guidelines, 2015. Collection method: clinical testing. Allele origin: germline. Affected: yes.

All of Us Research Program, National Institutes of Health
Classification: Likely benign for Peutz-Jeghers syndrome. Last evaluated: 2023-05-16. Review status: criteria provided, single submitter. Criteria: ACMG Guidelines, 2015. Collection method: clinical testing. Allele origin: germline. Inheritance: Autosomal dominant inheritance. Observed: 4 variant alleles, 4 heterozygotes.
Comment: This study involves interpretation of variants in research participants for the purpose of population health screening. Participant phenotype was not available at the time of variant classification. Additional details can be found in publication PMID: 35346344, PMCID: PMC8962531

Myriad Genetics, Inc.
Classification: Uncertain significance for Peutz-Jeghers syndrome. Last evaluated: 2023-04-12. Review status: criteria provided, single submitter. Criteria: Myriad Autosomal Dominant, Autosomal Recessive and X-Linked Classification Criteria (2023). Collection method: clinical testing. Allele origin: unknown.
Comment: This variant is classified as a variant of uncertain significance as there is insufficient evidence to determine its impact on protein function and/or cancer risk.

Blueprint Genetics
Classification: Uncertain significance. Last evaluated: 2022-07-13. Review status: criteria provided, single submitter. Criteria: ACMG Guidelines, 2015. Collection method: clinical testing. Allele origin: germline.

Genome-Nilou Lab
Classification: Uncertain significance for Peutz-Jeghers syndrome. Last evaluated: 2021-07-15. Review status: criteria provided, single submitter. Criteria: ACMG Guidelines, 2015. Collection method: clinical testing. Allele origin: germline. Affected: no.

Sema4
Classification: Benign for Hereditary cancer-predisposing syndrome. Last evaluated: 2020-10-19. Review status: criteria provided, single submitter. Criteria: Sema4 Curation Guidelines. Collection method: curation. Allele origin: germline.

Color Diagnostics, LLC DBA Color Health
Classification: Likely benign for Hereditary cancer-predisposing syndrome. Last evaluated: 2020-04-01. Review status: criteria provided, single submitter. Criteria: ACMG Guidelines, 2015. Collection method: clinical testing. Allele origin: germline.

Ambry Genetics
Classification: Likely benign for Hereditary cancer-predisposing syndrome. Last evaluated: 2018-07-11. Review status: criteria provided, single submitter. Criteria: Ambry Variant Classification Scheme 2023. Collection method: clinical testing. Allele origin: germline.

Counsyl
Classification: Uncertain significance for Peutz-Jeghers syndrome. Last evaluated: 2018-05-23. Review status: no assertion criteria provided. Collection method: clinical testing. Allele origin: unknown. Not counted in ClinVar's aggregate classification.